The following is an entry in ClinVar:

ClinVar aggregate classification (germline): Likely benign. Review status: criteria provided, multiple submitters, no conflicts (2 of 4 stars). 2 submissions from 2 submitters: Likely benign (2). Last evaluated 2026-02-03.

Conditions:
OTOG-related disorder. Also called: OTOG-related condition.

gnomAD v4.1: 97 of 1,550,456 alleles (0.0063%); highest among the groups gnomAD compares: Middle Eastern, 0.12%; 1 homozygote.

Submissions (2):

PreventionGenetics, part of Exact Sciences
Classification: Likely benign for OTOG-related condition. Last evaluated: 2026-02-03. Review status: criteria provided, single submitter. Criteria: ACMG Guidelines, 2015. Collection method: clinical testing. Allele origin: germline.
Comment: This variant is classified as likely benign based on ACMG/AMP sequence variant interpretation guidelines (Richards et al. 2015 PMID: 25741868, with internal and published modifications).

Labcorp Genetics (formerly Invitae), Labcorp
Classification: Likely benign. Last evaluated: 2025-03-10. Review status: criteria provided, single submitter. Criteria: Invitae Variant Classification Sherloc (09022015). Collection method: clinical testing. Allele origin: germline.

NM_001292063.2(OTOG):c.999C>T (p.Gly333=)

Gene: OTOG (otogelin; plus strand). Cytogenetic location: 11p15.1.
Variant type: single nucleotide variant.
Coding change: c.999C>T on transcript NM_001292063.2 (MANE Select); coding-DNA position 999, C replaced by T.
Protein change: p.Gly333=; no amino-acid change (glycine 333 retained).
Molecular consequence: synonymous variant.
Genome position (GRCh38, 1-based): chr11:17,558,540, C>T. VCF-style: chr11-17558540-C-T. GRCh37 (hg19) VCF-style: chr11-17580087-C-T.
Other names: c.1035C>T, p.Gly345= (NM_001277269.2); c.1035C>T (NM_001277269.1).
Identifiers: ClinVar variation 4800343 (VCV004800343.2).